The following is an entry in ClinVar:

ClinVar aggregate classification (germline): Uncertain significance (1 of 4 stars; one submission).

Conditions:
Early-onset Lafora body disease. Also called: Epilepsy, progressive myoclonic, 10. Identifiers: Orphanet 324290, MedGen C4225258, MONDO:0014717, OMIM 616640.

Allele frequency attached by ClinVar (database versions not stated): TOPMed below 0.00001; gnomAD 0.00001.
gnomAD v4.1: 3 of 1,555,232 alleles (0.00019%); highest among the groups gnomAD compares: Non-Finnish European, 0.00026%; no homozygotes.

Submission:

Labcorp Genetics (formerly Invitae), Labcorp
Classification: Uncertain significance for Early-onset Lafora body disease. Last evaluated: 2023-07-14. Review status: criteria provided, single submitter. Criteria: Invitae Variant Classification Sherloc (09022015). Collection method: clinical testing. Allele origin: germline.
Comment: This variant is not present in population databases (gnomAD no frequency). In summary, the available evidence is currently insufficient to determine the role of this variant in disease. Therefore, it has been classified as a Variant of Uncertain Significance. Advanced modeling of protein sequence and biophysical properties (such as structural, functional, and spatial information, amino acid conservation, physicochemical variation, residue mobility, and thermodynamic stability) performed at Invitae indicates that this missense variant is not expected to disrupt PRDM8 protein function. ClinVar contains an entry for this variant (Variation ID: 854272). This variant has not been reported in the literature in individuals affected with PRDM8-related conditions. This sequence change replaces alanine, which is neutral and non-polar, with serine, which is neutral and polar, at codon 529 of the PRDM8 protein (p.Ala529Ser).

NM_001099403.2(PRDM8):c.1585G>T (p.Ala529Ser)

Gene: PRDM8 (PR/SET domain 8; plus strand). Cytogenetic location: 4q21.21.
Variant type: single nucleotide variant.
Coding change: c.1585G>T on transcript NM_001099403.2 (MANE Select); coding-DNA position 1585, G replaced by T.
Protein change: p.Ala529Ser; replaces alanine 529 with serine.
Molecular consequence: missense variant.
Genome position (GRCh38, 1-based): chr4:80,203,047, G>T. VCF-style: chr4-80203047-G-T. GRCh37 (hg19) VCF-style: chr4-81124201-G-T.
Other names: c.1585G>T, p.Ala529Ser (NM_020226.4); short protein forms A529S.
Identifiers: ClinVar variation 854272 (VCV000854272.10), dbSNP rs1254406151, ClinGen allele CA357401606.